The following is an entry in ClinVar:

NM_020937.4(FANCM):c.5312A>G (p.Asp1771Gly)

Gene: FANCM (FA complementation group M; plus strand). Cytogenetic location: 14q21.2.
Variant type: single nucleotide variant.
Coding change: c.5312A>G on transcript NM_020937.4 (MANE Select); coding-DNA position 5312, A replaced by G.
Protein change: p.Asp1771Gly; replaces aspartic acid 1771 with glycine.
Molecular consequence: missense variant.
Genome position (GRCh38, 1-based): chr14:45,189,334, A>G. VCF-style: chr14-45189334-A-G. GRCh37 (hg19) VCF-style: chr14-45658537-A-G.
Other names: c.5234A>G, p.Asp1745Gly (NM_001308133.2); short protein forms D1745G, D1771G.
Identifiers: ClinVar variation 4022889 (VCV004022889.1).

ClinVar aggregate classification (germline): Uncertain significance (1 of 4 stars; one submission).

Conditions:
Inborn genetic diseases. Identifiers: MedGen C0950123, MeSH D030342.

gnomAD v4.1: 1 of 1,613,588 alleles (0.000062%); highest among the groups gnomAD compares: Non-Finnish European, 0.000085%; no homozygotes.

Submission:

Ambry Genetics
Classification: Uncertain significance for Inborn genetic diseases. Last evaluated: 2025-06-14. Review status: criteria provided, single submitter. Criteria: Ambry Variant Classification Scheme 2023. Collection method: clinical testing. Allele origin: germline.
Comment: The p.D1771G variant (also known as c.5312A>G), located in coding exon 20 of the FANCM gene, results from an A to G substitution at nucleotide position 5312. The aspartic acid at codon 1771 is replaced by glycine, an amino acid with similar properties. This amino acid position is conserved. In addition, this alteration is predicted to be tolerated by in silico analysis. Based on the available evidence, the clinical significance of this variant remains unclear.